The following is an entry in ClinVar:

NM_000051.4(ATM):c.3648T>G (p.Tyr1216Ter)

Gene: ATM (ATM serine/threonine kinase; plus strand). Cytogenetic location: 11q22.3.
Variant type: single nucleotide variant.
Coding change: c.3648T>G on transcript NM_000051.4 (MANE Select); coding-DNA position 3648, T replaced by G.
Protein change: p.Tyr1216Ter; replaces tyrosine 1216 with a stop codon.
Molecular consequence: nonsense.
Genome position (GRCh38, 1-based): chr11:108,282,781, T>G. VCF-style: chr11-108282781-T-G. GRCh37 (hg19) VCF-style: chr11-108153508-T-G.
Other names: c.3648T>G, p.Tyr1216Ter (NM_001351834.2); short protein forms Y1216*.
Identifiers: ClinVar variation 824028 (VCV000824028.7), dbSNP rs1591641318, ClinGen allele CA382522960.

ClinVar aggregate classification (germline): Pathogenic. Review status: criteria provided, multiple submitters, no conflicts (2 of 4 stars). 2 submissions from 2 submitters: Pathogenic (2). Last evaluated 2020-01-15.

Conditions:
Hereditary cancer-predisposing syndrome. Also called: Neoplastic Syndromes, Hereditary; Tumor predisposition; Hereditary neoplastic syndrome; Hereditary Cancer Syndrome. Identifiers: Orphanet 140162, MedGen C0027672, MeSH D009386, MONDO:0015356.

Submissions (2):

Color Diagnostics, LLC DBA Color Health
Classification: Pathogenic for Hereditary cancer-predisposing syndrome. Last evaluated: 2020-01-15. Review status: criteria provided, single submitter. Criteria: ACMG Guidelines, 2015. Collection method: clinical testing. Allele origin: germline.
Comment: This variant changes 1 nucleotide in exon 25 of the ATM gene, creating a premature translation stop signal. This variant is expected to result in an absent or non-functional protein product. This variant has not been identified in the general population by the Genome Aggregation Database (gnomAD). Loss of ATM function is a known mechanism of disease. Based on the available evidence, this variant is classified as Pathogenic.

Ambry Genetics
Classification: Pathogenic for Hereditary cancer-predisposing syndrome. Last evaluated: 2019-04-30. Review status: criteria provided, single submitter. Criteria: Ambry Variant Classification Scheme 2023. Collection method: clinical testing. Allele origin: germline.
Comment: The p.Y1216* variant (also known as c.3648T>G), located in coding exon 24 of the ATM gene, results from a T to G substitution at nucleotide position 3648. This changes the amino acid from a tyrosine to a stop codon within coding exon 24. This alteration is expected to result in loss of function by premature protein truncation or nonsense-mediated mRNA decay. As such, this alteration is interpreted as a disease-causing mutation.